The following is an entry in ClinVar:

ClinVar aggregate classification (germline): Uncertain significance (1 of 4 stars; one submission).

Submission:

GeneDx
Classification: Uncertain significance. Last evaluated: 2024-02-08. Review status: criteria provided, single submitter. Criteria: GeneDx Variant Classification Process June 2021. Collection method: clinical testing. Allele origin: germline. Affected: yes.
Comment: Not observed at significant frequency in large population cohorts (gnomAD); In silico analysis supports that this missense variant does not alter protein structure/function; Has not been previously published as pathogenic or benign to our knowledge

NM_001366145.2(TRPM3):c.4540A>C (p.Ser1514Arg)

Genes: KLF9-DT (KLF9 divergent transcript; plus strand), TRPM3 (transient receptor potential cation channel subfamily M member 3; minus strand). Cytogenetic location: 9q21.12.
Variant type: single nucleotide variant.
Coding change: c.4540A>C on transcript NM_001366145.2 (MANE Select); coding-DNA position 4540, A replaced by C.
Protein change: p.Ser1514Arg; replaces serine 1514 with arginine.
Molecular consequence: missense variant. On other transcripts: intron variant (8).
Genome position (GRCh38, 1-based): chr9:70,536,573, T>G on the plus strand (A>C on the coding strand, the complement: TRPM3 is on the minus strand). VCF-style: chr9-70536573-T-G. GRCh37 (hg19) VCF-style: chr9-73151489-T-G.
Other names: c.4504A>C, p.Ser1502Arg (NM_001007471.4); c.4510A>C, p.Ser1504Arg (NM_001366141.2, NM_001366149.2); c.4615A>C, p.Ser1539Arg (NM_001366147.2); c.4045A>C, p.Ser1349Arg (NM_020952.6); c.4081A>C, p.Ser1361Arg (NM_024971.7); c.4015A>C, p.Ser1339Arg (NM_206944.5); c.4051A>C, p.Ser1351Arg (NM_206945.5); c.4120A>C, p.Ser1374Arg (NM_206946.5); and 9 more; short protein forms S1339R, S1349R, S1351R, S1361R, S1364R, S1374R, S1502R, S1504R.
Identifiers: ClinVar variation 3369049 (VCV003369049.1).